The following is an entry in ClinVar:

NM_020461.4(TUBGCP6):c.1651G>A (p.Glu551Lys)

Gene: TUBGCP6 (tubulin gamma complex component 6; minus strand). Cytogenetic location: 22q13.33.
Variant type: single nucleotide variant.
Coding change: c.1651G>A on transcript NM_020461.4 (MANE Select); coding-DNA position 1651, G replaced by A.
Protein change: p.Glu551Lys; replaces glutamic acid 551 with lysine.
Molecular consequence: missense variant.
Genome position (GRCh38, 1-based): chr22:50,226,329, C>T on the plus strand (G>A on the coding strand, the complement: TUBGCP6 is on the minus strand). VCF-style: chr22-50226329-C-T. GRCh37 (hg19) VCF-style: chr22-50664758-C-T.
Other names: short protein forms E551K.
Identifiers: ClinVar variation 958969 (VCV000958969.10), dbSNP rs1439410579, ClinGen allele CA412106206.

ClinVar aggregate classification (germline): Uncertain significance. Review status: criteria provided, multiple submitters, no conflicts (2 of 4 stars). 2 submissions from 2 submitters: Uncertain significance (2). Last evaluated 2025-02-04.

Conditions:
Inborn genetic diseases. Identifiers: MedGen C0950123, MeSH D030342.

Allele frequency attached by ClinVar (database versions not stated): gnomAD exomes 0.00001; gnomAD 0.00002 and 0.00003; TOPMed 0.00003.

Submissions (2):

Ambry Genetics
Classification: Uncertain significance for Inborn genetic diseases. Last evaluated: 2025-02-04. Review status: criteria provided, single submitter. Criteria: Ambry Variant Classification Scheme 2023. Collection method: clinical testing. Allele origin: germline.

Labcorp Genetics (formerly Invitae), Labcorp
Classification: Uncertain significance. Last evaluated: 2021-05-19. Review status: criteria provided, single submitter. Criteria: Invitae Variant Classification Sherloc (09022015). Collection method: clinical testing. Allele origin: germline.
Comment: In summary, the available evidence is currently insufficient to determine the role of this variant in disease. Therefore, it has been classified as a Variant of Uncertain Significance. Algorithms developed to predict the effect of missense changes on protein structure and function are either unavailable or do not agree on the potential impact of this missense change (SIFT: "Deleterious"; PolyPhen-2: "Probably Damaging"; Align-GVGD: "Class C0"). This variant has not been reported in the literature in individuals with TUBGCP6-related conditions. This variant is not present in population databases (ExAC no frequency). This sequence change replaces glutamic acid with lysine at codon 551 of the TUBGCP6 protein (p.Glu551Lys). The glutamic acid residue is highly conserved and there is a small physicochemical difference between glutamic acid and lysine.